The following is an entry in ClinVar:

ClinVar aggregate classification (germline): Uncertain significance. Review status: criteria provided, multiple submitters, no conflicts (2 of 4 stars). 3 submissions from 3 submitters: Uncertain significance (3). Last evaluated 2024-09-19.

Conditions:
Colorectal cancer, susceptibility to, 1. Also called: COLORECTAL ADENOMA AND CANCER, SUSCEPTIBILITY TO; COLORECTAL CANCER, SUSCEPTIBILITY TO, ON CHROMOSOME 9. Identifiers: MedGen C1837315, MONDO:0012132, OMIM 608812.

gnomAD v4.1: 12 of 1,549,320 alleles (0.00077%); highest among the groups gnomAD compares: South Asian, 0.012%; no homozygotes.

Submissions (3):

Department of Pathology and Laboratory Medicine, Sinai Health System
Classification: Uncertain significance for Colorectal cancer, susceptibility to, 1. Last evaluated: 2024-09-19. Review status: criteria provided, single submitter. Criteria: ACMG Guidelines, 2015. Collection method: clinical testing. Allele origin: germline.

Ambry Genetics
Classification: Uncertain significance. Last evaluated: 2023-12-14. Review status: criteria provided, single submitter. Criteria: Ambry Variant Classification Scheme 2023. Collection method: clinical testing. Allele origin: germline.
Comment: The c.1035G>T variant (also known as p.R345S), located in coding exon 5 of the GALNT12 gene, results from a G to T substitution at nucleotide position 1035. The amino acid change results in arginine to serine at codon 345, an amino acid with dissimilar properties. This nucleotide position is well conserved in available vertebrate species. This amino acid position is highly conserved in available vertebrate species. This change occurs in the last base pair of coding exon 5, which makes it likely to have some effect on normal mRNA splicing. In silico splice site analysis for this alteration is inconclusive. In addition, the gene-disease association for GALNT12 is limited. Since supporting evidence is limited at this time, the clinical significance of this alteration remains unclear.

Baylor Genetics
Classification: Uncertain significance for Colorectal cancer, susceptibility to, 1. Last evaluated: 2023-06-16. Review status: criteria provided, single submitter. Criteria: ACMG Guidelines, 2015. Collection method: clinical testing. Allele origin: unknown.

NM_024642.5(GALNT12):c.1035G>T (p.Arg345Ser)

Gene: GALNT12 (polypeptide N-acetylgalactosaminyltransferase 12; plus strand). Cytogenetic location: 9q22.33.
Variant type: single nucleotide variant.
Coding change: c.1035G>T on transcript NM_024642.5 (MANE Select); coding-DNA position 1035, G replaced by T.
Protein change: p.Arg345Ser; replaces arginine 345 with serine.
Molecular consequence: missense variant.
Genome position (GRCh38, 1-based): chr9:98,835,366, G>T. VCF-style: chr9-98835366-G-T. GRCh37 (hg19) VCF-style: chr9-101597648-G-T.
Other names: short protein forms R345S.
Identifiers: ClinVar variation 1772505 (VCV001772505.4), dbSNP rs778289504, ClinGen allele CA5154140.